The following is an entry in ClinVar:

NM_206933.4(USH2A):c.12335_12339del (p.Gly4112fs)

Gene: USH2A (usherin; minus strand). Cytogenetic location: 1q41.
Variant type: Deletion.
Coding change: c.12335_12339del on transcript NM_206933.4 (MANE Select); coding-DNA positions 12335 to 12339, 5 bases deleted (GTTTG; older notation c.12335_12339delGTTTG).
Protein change: p.Gly4112fs; shifts the reading frame from glycine 4112.
Molecular consequence: frameshift variant.
Genome position (GRCh38, 1-based): chr1:215,675,572-215,675,576, CAAAC deleted on the plus strand (GTTTG on the coding strand, the reverse complement: USH2A is on the minus strand); deleting any 5 consecutive bases within chr1:215,675,572-215,675,578 gives the same sequence; the c. name uses the placement nearest the transcript's 3' end. VCF-style (leftmost placement, unchanged base first): chr1-215675571-TCAAAC-T. GRCh37 (hg19) VCF-style: chr1-215848913-TCAAAC-T.
Other names: short protein forms G4112fs.
Identifiers: ClinVar variation 4817084 (VCV004817084.1).

ClinVar aggregate classification (germline): Likely pathogenic (1 of 4 stars; one submission).

Conditions:
Usher syndrome type 2A. Also called: RETINAL DISEASE IN USHER SYNDROME TYPE IIA, MODIFIER OF; USHER SYNDROME, TYPE IIA. Identifiers: Orphanet 231178, Orphanet 886, MedGen C1848634, MONDO:0010169, OMIM 276901.

Submission:

Natera, Inc.
Classification: Likely pathogenic for Usher syndrome type 2A. Last evaluated: 2025-11-12. Review status: criteria provided, single submitter. Criteria: Natera Variant Classification Schema (03/2026). Collection method: clinical testing. Allele origin: germline.
Comment: The c.12335_12339del variant in USH2A is a frameshift variant predicted to shift the reading frame beginning at codon 4112 and leads to a stop codon 39 codons downstream. This variant is expected to result in nonsense mediated decay, truncation, or a dysfunctional protein product. This variant is rare in the general population with a frequency below the threshold expected for the associated phenotype(s). Given the available evidence, this variant is classified as Likely Pathogenic.